The following is an entry in ClinVar:

ClinVar aggregate classification (germline): Conflicting classifications of pathogenicity. Review status: criteria provided, conflicting classifications (1 of 4 stars). 2 submissions from 2 submitters: Uncertain significance (1); Likely benign (1). Last evaluated 2022-03-26.

Conditions:
Early-infantile DEE. Also called: Ohtahara syndrome; Early infantile epileptic encephalopathy; Early infantile epileptic encephalopathy with suppression bursts. Identifiers: Orphanet 1934, MedGen C0393706, MONDO:0800491.
Developmental and epileptic encephalopathy, 7 (DEE7). Also called: KCNQ2-Related Neonatal Epileptic Encephalopathy; KCNQ2-Related Neonatal-Onset Developmental and Epileptic Encephalopathy (NEO-DEE); Early infantile epileptic encephalopathy 7. Identifiers: Orphanet 439218, MedGen C3150986, MONDO:0013387, OMIM 613720.

Allele frequency attached by ClinVar (database versions not stated): gnomAD exomes below 0.00001.
gnomAD v4.1: 2 of 1,613,920 alleles (0.00012%); highest among the groups gnomAD compares: Admixed American, 0.0017%; no homozygotes.

Submissions (2):

Labcorp Genetics (formerly Invitae), Labcorp
Classification: Likely benign for Early-infantile DEE. Last evaluated: 2022-03-26. Review status: criteria provided, single submitter. Criteria: Invitae Variant Classification Sherloc (09022015). Collection method: clinical testing. Allele origin: germline.

Baylor Genetics
Classification: Uncertain significance for Developmental and epileptic encephalopathy, 7. Last evaluated: 2020-01-17. Review status: criteria provided, single submitter. Criteria: ACMG Guidelines, 2015. Collection method: clinical testing. Allele origin: unknown. Affected: yes.
Comment: This variant was determined to be of uncertain significance according to ACMG Guidelines, 2015 [PMID:25741868].

NM_172107.4(KCNQ2):c.1118+18C>T

Gene: KCNQ2 (potassium voltage-gated channel subfamily Q member 2; minus strand). Cytogenetic location: 20q13.33.
Variant type: single nucleotide variant.
Coding change: c.1118+18C>T on transcript NM_172107.4 (MANE Select); 18 bases into the intron after coding-DNA position 1118, C replaced by T.
Molecular consequence: intron variant. On other transcripts: missense variant (1).
Genome position (GRCh38, 1-based): chr20:63,433,791, G>A on the plus strand (C>T on the coding strand, the complement: KCNQ2 is on the minus strand). VCF-style: chr20-63433791-G-A. GRCh37 (hg19) VCF-style: chr20-62065144-G-A.
Other names: c.1136C>T, p.Pro379Leu (NM_172109.3); c.1118+18C>T (NM_004518.6, NM_172108.5, NM_172106.3 and 1 more transcripts); short protein forms P379L.
Identifiers: ClinVar variation 1029262 (VCV001029262.6), dbSNP rs2080900462, ClinGen allele CA409651005.